The following is an entry in ClinVar:

ClinVar aggregate classification (germline): Uncertain significance (1 of 4 stars; one submission).

Conditions:
Brugada syndrome 8 (BRGDA8). Identifiers: Orphanet 130, MedGen C2751083, MONDO:0013148, OMIM 613123.

Allele frequency attached by ClinVar (database versions not stated): ExAC 0.00001; gnomAD exomes 0.00001 and 0.00002; TOPMed 0.00001.
gnomAD v4.1: 16 of 1,606,452 alleles (0.001%); highest among the groups gnomAD compares: Non-Finnish European, 0.0013%; no homozygotes.

Submission:

Labcorp Genetics (formerly Invitae), Labcorp
Classification: Uncertain significance for Brugada syndrome 8. Last evaluated: 2025-09-27. Review status: criteria provided, single submitter. Criteria: Invitae Variant Classification Sherloc (09022015). Collection method: clinical testing. Allele origin: germline.
Comment: This sequence change replaces arginine, which is basic and polar, with cysteine, which is neutral and slightly polar, at codon 758 of the HCN4 protein (p.Arg758Cys). This variant is present in population databases (rs777209839, gnomAD 0.006%). This variant has not been reported in the literature in individuals affected with HCN4-related conditions. ClinVar contains an entry for this variant (Variation ID: 1064012). Invitae Evidence Modeling of protein sequence and biophysical properties (such as structural, functional, and spatial information, amino acid conservation, physicochemical variation, residue mobility, and thermodynamic stability) indicates that this missense variant is not expected to disrupt HCN4 protein function with a negative predictive value of 95%. In summary, the available evidence is currently insufficient to determine the role of this variant in disease. Therefore, it has been classified as a Variant of Uncertain Significance.

NM_005477.3(HCN4):c.2272C>T (p.Arg758Cys)

Gene: HCN4 (hyperpolarization activated cyclic nucleotide gated potassium channel 4; minus strand). Cytogenetic location: 15q24.1.
Variant type: single nucleotide variant.
Coding change: c.2272C>T on transcript NM_005477.3 (MANE Select); coding-DNA position 2272, C replaced by T.
Protein change: p.Arg758Cys; replaces arginine 758 with cysteine.
Molecular consequence: missense variant.
Genome position (GRCh38, 1-based): chr15:73,323,821, G>A on the plus strand (C>T on the coding strand, the complement: HCN4 is on the minus strand). VCF-style: chr15-73323821-G-A. GRCh37 (hg19) VCF-style: chr15-73616162-G-A.
Other names: short protein forms R758C.
Identifiers: ClinVar variation 1064012 (VCV001064012.8), dbSNP rs777209839, ClinGen allele CA7649060.